The following is an entry in ClinVar:

NM_006514.4(SCN10A):c.2718G>T (p.Glu906Asp)

Gene: SCN10A (sodium voltage-gated channel alpha subunit 10; minus strand). Cytogenetic location: 3p22.2.
Variant type: single nucleotide variant.
Coding change: c.2718G>T on transcript NM_006514.4 (MANE Select); coding-DNA position 2718, G replaced by T.
Protein change: p.Glu906Asp; replaces glutamic acid 906 with aspartic acid.
Molecular consequence: missense variant.
Genome position (GRCh38, 1-based): chr3:38,726,975, C>A on the plus strand (G>T on the coding strand, the complement: SCN10A is on the minus strand). VCF-style: chr3-38726975-C-A. GRCh37 (hg19) VCF-style: chr3-38768466-C-A.
Other names: c.2718G>T, p.Glu906Asp (NM_001293306.2); c.2424G>T, p.Glu808Asp (NM_001293307.2); short protein forms E906D, E808D.
Identifiers: ClinVar variation 3316505 (VCV003316505.1).

ClinVar aggregate classification (germline): Uncertain significance (1 of 4 stars; one submission).

Conditions:
Cardiovascular phenotype. Identifiers: MedGen CN230736.

Submission:

Ambry Genetics
Classification: Uncertain significance for Cardiovascular phenotype. Last evaluated: 2024-03-29. Review status: criteria provided, single submitter. Criteria: Ambry Variant Classification Scheme 2023. Collection method: clinical testing. Allele origin: germline.
Comment: The p.E906D variant (also known as c.2718G>T), located in coding exon 16 of the SCN10A gene, results from a G to T substitution at nucleotide position 2718. The glutamic acid at codon 906 is replaced by aspartic acid, an amino acid with highly similar properties. This amino acid position is conserved. In addition, this alteration is predicted to be tolerated by in silico analysis. Based on the available evidence, the clinical significance of this alteration remains unclear.